The following is an entry in ClinVar:

ClinVar aggregate classification (germline): other (0 of 4 stars; one submission).

Conditions:
Familial colorectal cancer. Identifiers: MedGen CN280943, MONDO:0023113. Disease mechanism: loss of function.

Submission:

Systems Biology Platform Zhejiang California International NanoSystems Institute
Classification: other for Familial colorectal cancer. Review status: no assertion criteria provided. Collection method: not provided. Allele origin: unknown.
ClinVar note: Converted during submission from cancer to other.

NM_000038.6(APC):c.646-76G>T

Gene: APC (APC regulator of WNT signaling pathway; plus strand). Cytogenetic location: 5q22.2.
Variant type: single nucleotide variant.
Coding change: c.646-76G>T on transcript NM_000038.6 (MANE Select); 76 bases into the intron before coding-DNA position 646, G replaced by T.
Molecular consequence: intron variant.
Genome position (GRCh38, 1-based): chr5:112,792,370, G>T. VCF-style: chr5-112792370-G-T. GRCh37 (hg19) VCF-style: chr5-112128067-G-T.
Other names: c.646-76G>T (NM_001354895.2, NM_001127510.3, NM_001354896.2 and 1 more transcripts); c.676-76G>T (NM_001354897.2, NM_001354902.2); c.676-8909G>T (NM_001127511.3); c.571-76G>T (NM_001354898.2, NM_001354904.2); c.-390-76G>T (NM_001354906.2); c.646-8909G>T (NM_001354899.2); c.469-76G>T (NM_001354900.2, NM_001354901.2, NM_001354905.2).
Identifiers: ClinVar variation 82478 (VCV000082478.2), dbSNP rs75719476, ClinGen allele CA012138.